The following is an entry in ClinVar:

NM_001754.5(RUNX1):c.1196G>T (p.Ser399Ile)

Gene: RUNX1 (RUNX family transcription factor 1; minus strand). Cytogenetic location: 21q22.12.
Variant type: single nucleotide variant.
Coding change: c.1196G>T on transcript NM_001754.5 (MANE Select); coding-DNA position 1196, G replaced by T.
Protein change: p.Ser399Ile; replaces serine 399 with isoleucine.
Molecular consequence: missense variant.
Genome position (GRCh38, 1-based): chr21:34,792,382, C>A on the plus strand (G>T on the coding strand, the complement: RUNX1 is on the minus strand). VCF-style: chr21-34792382-C-A. GRCh37 (hg19) VCF-style: chr21-36164679-C-A.
Other names: NM_001754.4(RUNX1):c.1196G>T; p.Ser399Ile; c.1115G>T, p.Ser372Ile (NM_001001890.3); short protein forms S399I, S372I.
Identifiers: ClinVar variation 532658 (VCV000532658.15), dbSNP rs946348885, ClinGen allele CA320251372.

ClinVar aggregate classification (germline): Uncertain significance. Review status: reviewed by expert panel (3 of 4 stars). 8 submissions from 8 submitters: Uncertain significance (1). 7 of the submissions do not count toward it. Last evaluated 2024-08-12.

Conditions:
Hereditary thrombocytopenia and hematologic cancer predisposition syndrome. Identifiers: Orphanet 71290, MedGen CN281654, MONDO:0011071.
Inborn genetic diseases. Identifiers: MedGen C0950123, MeSH D030342.
Hereditary thrombocytopenia and hematological cancer predisposition syndrome associated with RUNX1. Also called: Familial Platelet Disorder with Propensity to Acute Myelogenous Leukemia; PLATELET DISORDER, ASPIRIN-LIKE; RUNX1 Familial Platelet Disorder with Associated Myeloid Malignancies; Familial thrombocytopenia with propensity to acute myelogenous leukemia. Identifiers: Orphanet 71290, MedGen C1832388, MeSH C563324, MONDO:0100083, OMIM 601399.
Hereditary cancer-predisposing syndrome. Also called: Hereditary neoplastic syndrome; Tumor predisposition; Neoplastic Syndromes, Hereditary; Hereditary Cancer Syndrome. Identifiers: Orphanet 140162, MedGen C0027672, MeSH D009386, MONDO:0015356.

Allele frequency attached by ClinVar (database versions not stated): TOPMed 0.00002.
gnomAD v4.1: 19 of 1,566,260 alleles (0.0012%); highest among the groups gnomAD compares: Admixed American, 0.011%; no homozygotes.

Submissions (8):

ClinGen Myeloid Malignancy Variant Curation Expert Panel
Classification: Uncertain significance for Hereditary thrombocytopenia and hematologic cancer predisposition syndrome. Last evaluated: 2024-08-12. Review status: reviewed by expert panel. Criteria: ClinGen MyeloMalig ACMG Specifications v2. Collection method: curation. Allele origin: germline. Inheritance: Autosomal dominant inheritance.
Comment: NM_001754.4(RUNX1):c.1196G>T (p.Ser399Ile) is a missense variant which has a REVEL score < 0.50 (0.116) and SpliceAI does not predict (Δ scores ≤ 0.20) a significant impact on the canonical splice sites or the creation of putative cryptic splice sites (BP4). The variant has been published in a pediatric patient with B-ALL, which was confirmed to be in the germline based on assessment in a remission sample (PMID: 34166225). However, PS4_supporting cannot be applied because the variant presents more than 2 times in gnomAD (5 heterozygotes in v2 and 1 heterozygote in v3). In summary, the clinical significance of this variant is uncertain. ACMG/AMP criteria applied, as specified by the ClinGen Myeloid Malignancy Variant Curation Expert Panel for RUNX1: BP4.

Labcorp Genetics (formerly Invitae), Labcorp
Classification: Uncertain significance for Hereditary thrombocytopenia and hematological cancer predisposition syndrome associated with RUNX1. Last evaluated: 2025-12-29. Review status: criteria provided, single submitter. Criteria: Invitae Variant Classification Sherloc (09022015). Collection method: clinical testing. Allele origin: germline. Not counted in ClinVar's aggregate classification.
Comment: This sequence change replaces serine, which is neutral and polar, with isoleucine, which is neutral and non-polar, at codon 399 of the RUNX1 protein (p.Ser399Ile). This variant is present in population databases (no rsID available, gnomAD 0.008%). This missense change has been observed in individual(s) with acute lymphoblastic leukemia and/or primary myelofibrosis (PMID: 31135094, 34166225). ClinVar contains an entry for this variant (Variation ID: 532658). Invitae Evidence Modeling of protein sequence and biophysical properties (such as structural, functional, and spatial information, amino acid conservation, physicochemical variation, residue mobility, and thermodynamic stability) has been performed for this missense variant. However, the output from this modeling did not meet the statistical confidence thresholds required to predict the impact of this variant on RUNX1 protein function. Experimental studies have shown that this missense change does not substantially affect RUNX1 function (PMID: 34166225). In summary, the available evidence is currently insufficient to determine the role of this variant in disease. Therefore, it has been classified as a Variant of Uncertain Significance.

Laboratory of Genetics, Children's Clinical University Hospital Latvia
Classification: Likely benign. Last evaluated: 2025-02-16. Review status: criteria provided, single submitter. Criteria: ACMG Guidelines, 2015. Collection method: clinical testing. Allele origin: germline. Affected: yes. Not counted in ClinVar's aggregate classification.

Ambry Genetics
Classification: Uncertain significance for Inborn genetic diseases. Last evaluated: 2024-12-31. Review status: criteria provided, single submitter. Criteria: Ambry Variant Classification Scheme 2023. Collection method: clinical testing. Allele origin: germline. Not counted in ClinVar's aggregate classification.
Comment: The p.S399I variant (also known as c.1196G>T), located in coding exon 8 of the RUNX1 gene, results from a G to T substitution at nucleotide position 1196. The serine at codon 399 is replaced by isoleucine, an amino acid with dissimilar properties. In one functional study, this variant was found to have levels of transcriptional activity that were similar to wild-type (Li Y et al. J Clin Invest, 2021 Jun;131). This amino acid position is not well conserved in available vertebrate species. In addition, this alteration is predicted to be tolerated by in silico analysis. Based on the available evidence, the clinical significance of this variant remains unclear.

Blueprint Genetics
Classification: Uncertain significance. Last evaluated: 2024-11-21. Review status: criteria provided, single submitter. Criteria: ACMG Guidelines, 2015. Collection method: clinical testing. Allele origin: germline. Not counted in ClinVar's aggregate classification.

GeneDx
Classification: Uncertain significance. Last evaluated: 2024-08-16. Review status: criteria provided, single submitter. Criteria: GeneDx Variant Classification Process June 2021. Collection method: clinical testing. Allele origin: germline. Affected: yes. Not counted in ClinVar's aggregate classification.
Comment: Not observed at significant frequency in large population cohorts (gnomAD); In silico analysis supports that this missense variant has a deleterious effect on protein structure/function; Published functional studies demonstrate protein expression levels were similar to wildtype (PMID: 34166225); This variant is associated with the following publications: (PMID: 31135094, 34166225)

Sema4
Classification: Uncertain significance for Hereditary cancer-predisposing syndrome. Last evaluated: 2021-07-28. Review status: criteria provided, single submitter. Criteria: Sema4 Curation Guidelines. Collection method: curation. Allele origin: germline. Not counted in ClinVar's aggregate classification.
Comment: The RUNX1 c.1196G>T (p.S399I) variant has been reported in heterozygosity in at least two individuals with hematologic disorders, one with primary myelofibrosis and one with B-cell ALL (PMID: 31135094, 34166225). This variant was observed in 3/25986 chromosomes in the Latino population according to the Genome Aggregation Database (PMID: 32461654). This variant has been reported in ClinVar (Variation ID: 532658). Functional studies have not been performed, and in silico predictions of the variant's effect on protein function are inconclusive. The evidence is insufficient to meet ACMG/AMP criteria for classifying the variant as benign or pathogenic. Thus, the clinical significance of this variant is currently uncertain.

Genetic Services Laboratory, University of Chicago
Classification: Uncertain significance. Last evaluated: 2021-01-25. Review status: criteria provided, single submitter. Criteria: ACMG Guidelines, 2015. Collection method: clinical testing. Allele origin: germline. Affected: no. Not counted in ClinVar's aggregate classification.
Comment: DNA sequence analysis of the RUNX1 gene demonstrated a sequence change, c.1196G>T, in exon 9 that results in an amino acid change, p.Ser399Ile. This sequence change has been described in the gnomAD database with a low population frequency of 0.0029% (dbSNP rs946348885). The p.Ser399Ile change affects a poorly conserved amino acid residue located in a domain of the RUNX1 protein that is known to be functional. In-silico pathogenicity prediction tools (SIFT, PolyPhen2, Align GVGD, REVEL) provide contradictory results for the p.Ser399Ile substitution. This sequence change does not appear to have been previously described in patients with RUNX1-related disorders. Due to the lack of sufficient evidences, the clinical significance of the p.Ser399Ile change remains unknown at this time.

Literature cited by the submitters: PubMed 31135094 (cited by Labcorp Genetics (formerly Invitae), Labcorp and Sema4); PubMed 34166225 (cited by 3 submitters).